The following is an entry in ClinVar:

ClinVar aggregate classification (germline): Likely pathogenic. Review status: reviewed by expert panel (3 of 4 stars). 7 submissions from 7 submitters: Likely pathogenic (1). 6 of the submissions do not count toward it. Last evaluated 2026-09-26.

Conditions:
Recombinase activating gene 1 deficiency. Identifiers: MedGen CN375631, MONDO:0000572.
Severe combined immunodeficiency, autosomal recessive, T cell-negative, B cell-negative, NK cell-positive. Also called: Severe combined immunodeficiency due to complete RAG1/2 deficiency; SCID, AR, T-cell negative, B-cell negative, NK cell-positive; SCID, T CELL-NEGATIVE, B CELL-NEGATIVE, NK CELL-POSITIVE. Identifiers: Orphanet 331206, MedGen C1832322, MONDO:0011086, OMIM 601457.
Combined immunodeficiency with skin granulomas. Identifiers: Orphanet 157949, MedGen C2673536, MONDO:0009306, OMIM 233650.
RAG1-related disorder. Also called: RAG1-related disorders; RAG1-related condition.
Severe combined immunodeficiency disease. Also called: Severe Combined Immune Deficiency; Severe combined immunodeficiency. Identifiers: Orphanet 183660, MedGen C0085110, MeSH D016511, MONDO:0015974, HP:0004430. Inheritance: X-Linked or Autosomal recessive.
Severe combined immunodeficiency, B cell-negative. Identifiers: MedGen C1867362.
Combined immunodeficiency due to partial RAG1 deficiency. Identifiers: Orphanet 231154, MedGen C1835931, MONDO:0012359, OMIM 609889.

Allele frequency attached by ClinVar (database versions not stated): gnomAD exomes 0.00001 and 0.00002; ExAC 0.00003.
gnomAD v4.1: 8 of 1,614,118 alleles (0.0005%); highest among the groups gnomAD compares: South Asian, 0.0022%; no homozygotes.

Submissions (7):

ClinGen Severe Combined Immunodeficiency Variant Curation Expert Panel, ClinGen
Classification: Likely pathogenic for Recombinase activating gene 1 deficiency. Last evaluated: 2026-09-26. Review status: reviewed by expert panel. Criteria: ClinGen SCID ACMG Specifications RAG1 V2.2. Collection method: curation. Allele origin: germline. Inheritance: Autosomal recessive inheritance.
Comment: The NM_000448.3(RAG1):c.2164G>A variant in RAG1 is a missense variant predicted to cause substitution of glutamic acid by lysine at amino acid position 722 (p.Glu722Lys). This variant resides within the core domain, [amino acids 387-1011], of RAG1 that is defined as a mutational hotspot, which is critical to the protein function (PMID: 26996199) (PM1_Supporting). The Grpmax Filtering allele frequency of this variant is 0.000003650 in gnomAD v4.1.0, which is lower than the SCID-VCEP threshold (<0.000102) for PM2_Supporting. No homozygotes have been observed. PM2_Supporting is met. This variant has been reported in one individual with SCID, one individual with atypical SCID, and three individuals with OS. The SCID patient showed T-B-NK+ lymphocyte subset profile (0.5pt) (PMID: 11133745). At least one OS patient met the diagnostic criteria for OS (0.5pt) (PMID: 11133745). The total score of each patient is 0.5pt. PP4 is not met. In the SCID patient, this variant was reported to be in trans with the nonsense variant E774* (PMID: 11133745). In the atypical SCID patient, this variant was reported to be in trans with W522C, previously curated as Pathogenic by the SCID VCEP: NM_000448.3(RAG1):c.1566G>T (p.Trp522Cys) (PMID: 11133745). In one OS patient, this variant was reported to be in trans with del 368-369, previously curated as Pathogenic by the SCID VCEP: NM_000448.3(RAG1):c.256_257del (p.Lys86ValfsTer?) (PMID: 11133745). In the other two OS patients, this variant was reported to be in trans with c.256_257del, previously curated as Pathogenic by the SCID VCEP: NM_000448.3(RAG1):c.256_257del (p.Lys86ValfsTer?) (PMID: 32655540). PM3_Strong is met. Functional studies using a V(D)J recombination assay indicated that this variant exhibited 0% of wild-type activity. PS3_Moderate is met. In summary, this variant is classified as likely pathogenic for recombinase activating gene 1 deficiency. ACMG/AMP criteria applied, as specified by the ClinGen SCID-VCEP: PM1_Supporting, PM2_Supporting, PM3_Strong, PS3_Moderate. (VCEP specifications version 2.2)

Labcorp Genetics (formerly Invitae), Labcorp
Classification: Pathogenic for Combined immunodeficiency with skin granulomas; Severe combined immunodeficiency, autosomal recessive, T cell-negative, B cell-negative, NK cell-positive. Last evaluated: 2024-08-12. Review status: criteria provided, single submitter. Criteria: Invitae Variant Classification Sherloc (09022015). Collection method: clinical testing. Allele origin: germline. Not counted in ClinVar's aggregate classification.
Comment: This sequence change replaces glutamic acid, which is acidic and polar, with lysine, which is basic and polar, at codon 722 of the RAG1 protein (p.Glu722Lys). This variant is present in population databases (rs28933392, gnomAD 0.004%). This missense change has been observed in individual(s) with severe combined immunodeficiency (PMID: 8810255, 10701853). In at least one individual the data is consistent with being in trans (on the opposite chromosome) from a pathogenic variant. ClinVar contains an entry for this variant (Variation ID: 13139). Advanced modeling of protein sequence and biophysical properties (such as structural, functional, and spatial information, amino acid conservation, physicochemical variation, residue mobility, and thermodynamic stability) has been performed at Invitae for this missense variant, however the output from this modeling did not meet the statistical confidence thresholds required to predict the impact of this variant on RAG1 protein function. Experimental studies have shown that this missense change affects RAG1 function (PMID: 8810255, 24290284). For these reasons, this variant has been classified as Pathogenic.

Baylor Genetics
Classification: Pathogenic for Combined immunodeficiency due to partial RAG1 deficiency. Last evaluated: 2023-12-11. Review status: criteria provided, single submitter. Criteria: ACMG Guidelines, 2015. Collection method: clinical testing. Allele origin: unknown. Not counted in ClinVar's aggregate classification.

CeGaT Center for Human Genetics Tuebingen
Classification: Pathogenic. Last evaluated: 2023-10-01. Review status: criteria provided, single submitter. Criteria: CeGaT Center For Human Genetics Tuebingen Variant Classification Criteria Version 2. Collection method: clinical testing. Allele origin: germline. Affected: yes. Observed: 3 variant alleles. Not counted in ClinVar's aggregate classification.
Comment: RAG1: PM3:Strong, PM1, PM2, PS3:Moderate, PP3, PP4

Women's Health and Genetics/Laboratory Corporation of America, LabCorp
Classification: Pathogenic for Severe combined immunodeficiency disease. Last evaluated: 2023-05-10. Review status: criteria provided, single submitter. Criteria: LabCorp Variant Classification Summary - May 2015. Collection method: clinical testing. Allele origin: germline. Not counted in ClinVar's aggregate classification.
Comment: Variant summary: RAG1 c.2164G>A (p.Glu722Lys) results in a conservative amino acid change in the encoded protein sequence. Four of five in-silico tools predict a damaging effect of the variant on protein function. The variant allele was found at a frequency of 2e-05 in 251360 control chromosomes. The available data on variant occurrences in the general population are insufficient to allow any conclusion about variant significance. c.2164G>A has been reported in the literature in compound heterozygous individuals affected with Severe Combined Immunodeficiency Syndrome/Omenn Syndrome (e.g., Schwarz_1996, Villa_2000, Villa_2001, Sharapova_2020). These data indicate that the variant is likely to be associated with disease. Several publications report experimental evidence evaluating an impact on protein function, finding that the variant leads to <1% VDJ recombination activity (e.g., Schwarz_1996, Wong_2008, Lee_2014). The following publications have been ascertained in the context of this evaluation (PMID: 24290284, 32655540, 10701853, 8810255, 18768869, 11133745). No clinical diagnostic laboratories have submitted clinical-significance assessments for this variant to ClinVar after 2014. Based on the evidence outlined above, the variant was classified as pathogenic.

Blueprint Genetics
Classification: Likely pathogenic for RAG1-related disorders. Last evaluated: 2020-01-21. Review status: criteria provided, single submitter. Criteria: ACMG Guidelines, 2015. Collection method: clinical testing. Allele origin: germline. Affected: yes. Observed: 1 variant allele. Not counted in ClinVar's aggregate classification.

OMIM
Classification: Pathogenic for SEVERE COMBINED IMMUNODEFICIENCY, B CELL-NEGATIVE. Last evaluated: 1996-10-04. Review status: no assertion criteria provided. Collection method: literature only. Allele origin: germline. Not counted in ClinVar's aggregate classification.

Literature cited by the submitters: PubMed 8810255 (cited by 3 submitters); PubMed 10701853 (cited by Labcorp Genetics (formerly Invitae), Labcorp and Women's Health and Genetics/Laboratory Corporation of America, LabCorp); PubMed 24290284 (cited by Labcorp Genetics (formerly Invitae), Labcorp and Women's Health and Genetics/Laboratory Corporation of America, LabCorp); PubMed 18768869 (cited by Women's Health and Genetics/Laboratory Corporation of America, LabCorp); PubMed 11133745 (cited by Women's Health and Genetics/Laboratory Corporation of America, LabCorp); PubMed 32655540 (cited by Women's Health and Genetics/Laboratory Corporation of America, LabCorp).

NM_000448.3(RAG1):c.2164G>A (p.Glu722Lys)

Gene: RAG1 (recombination activating 1; plus strand). Cytogenetic location: 11p12.
Variant type: single nucleotide variant.
Coding change: c.2164G>A on transcript NM_000448.3 (MANE Select); coding-DNA position 2164, G replaced by A.
Protein change: p.Glu722Lys; replaces glutamic acid 722 with lysine.
Molecular consequence: missense variant.
Genome position (GRCh38, 1-based): chr11:36,575,468, G>A. VCF-style: chr11-36575468-G-A. GRCh37 (hg19) VCF-style: chr11-36597018-G-A.
Other names: NM_000448.3(RAG1):c.2164G>A; c.2164G>A, p.Glu722Lys (NM_001377277.1, NM_001377278.1, NM_001377279.1 and 1 more transcripts); c.2164G>A (NM_000448.2); short protein forms E722K.
Identifiers: ClinVar variation 13139 (VCV000013139.35), dbSNP rs28933392, ClinGen allele CA122874.
Genomic context (GRCh38, chr11:36,575,468, plus strand): 5'-AAGTTCATCTTCAGGGGCACCGGCTATGATGAAAAACTTGTGCGGGAAGTGGAAGGCCTC[G>A]AGGCTTCTGGCTCAGTCTACATTTGTACTCTTTGTGATGCCACCCGTCTGGAAGCCTCTC-3'
Protein context (NP_000439.2, residues 712-732): EKLVREVEGL[Glu722Lys]ASGSVYICTL